The following is an entry in ClinVar:

NM_014241.4(HACD1):c.68C>A (p.Pro23His)

Genes: HACD1 (3-hydroxyacyl-CoA dehydratase 1; minus strand), LOC130003454 (ATAC-STARR-seq lymphoblastoid silent region 2183; plus strand). Cytogenetic location: 10p12.33.
Variant type: single nucleotide variant.
Coding change: c.68C>A on transcript NM_014241.4 (MANE Select); coding-DNA position 68, C replaced by A.
Protein change: p.Pro23His; replaces proline 23 with histidine.
Molecular consequence: missense variant.
Genome position (GRCh38, 1-based): chr10:17,617,272, G>T on the plus strand (C>A on the coding strand, the complement: HACD1 is on the minus strand). VCF-style: chr10-17617272-G-T. GRCh37 (hg19) VCF-style: chr10-17659271-G-T.
Other names: short protein forms P23H.
Identifiers: ClinVar variation 2049429 (VCV002049429.3), dbSNP rs781890481, ClinGen allele CA5427421.

ClinVar aggregate classification (germline): Uncertain significance (1 of 4 stars; one submission).

Allele frequency attached by ClinVar (database versions not stated): ExAC 0.00015.
gnomAD v4.1: 4 of 1,471,686 alleles (0.00027%); highest among the groups gnomAD compares: South Asian, 0.0026%; no homozygotes.

Submission:

Labcorp Genetics (formerly Invitae), Labcorp
Classification: Uncertain significance. Last evaluated: 2022-04-17. Review status: criteria provided, single submitter. Criteria: Invitae Variant Classification Sherloc (09022015). Collection method: clinical testing. Allele origin: germline.
Comment: In summary, the available evidence is currently insufficient to determine the role of this variant in disease. Therefore, it has been classified as a Variant of Uncertain Significance. Algorithms developed to predict the effect of missense changes on protein structure and function are either unavailable or do not agree on the potential impact of this missense change (SIFT: "Deleterious"; PolyPhen-2: "Possibly Damaging"; Align-GVGD: "Class C0"). This variant has not been reported in the literature in individuals affected with HACD1-related conditions. The frequency data for this variant in the population databases is considered unreliable, as metrics indicate poor data quality at this position in the gnomAD database. This sequence change replaces proline, which is neutral and non-polar, with histidine, which is basic and polar, at codon 23 of the HACD1 protein (p.Pro23His).